The following is an entry in ClinVar:

ClinVar aggregate classification (germline): Pathogenic. Review status: criteria provided, multiple submitters, no conflicts (2 of 4 stars). 9 submissions from 9 submitters: Pathogenic (7). 2 of the submissions do not count toward it. Last evaluated 2026-01-16.

Conditions:
Inborn genetic diseases. Identifiers: MedGen C0950123, MeSH D030342.
Mucolipidosis type IV (ML4). Also called: ML IV. Identifiers: Orphanet 578, MedGen C0238286, MONDO:0009653, OMIM 252650.

Allele frequency attached by ClinVar (database versions not stated): gnomAD exomes below 0.00001; gnomAD 0.00001.
gnomAD v4.1: 6 of 1,614,094 alleles (0.00037%); highest among the groups gnomAD compares: African/African-American, 0.0013%; no homozygotes.

Submissions (9):

Labcorp Genetics (formerly Invitae), Labcorp
Classification: Pathogenic for Mucolipidosis type IV. Last evaluated: 2026-01-16. Review status: criteria provided, single submitter. Criteria: Invitae Variant Classification Sherloc (09022015). Collection method: clinical testing. Allele origin: germline.
Comment: This sequence change creates a premature translational stop signal (p.Arg322*) in the MCOLN1 gene. It is expected to result in an absent or disrupted protein product. Loss-of-function variants in MCOLN1 are known to be pathogenic (PMID: 11030752, 11317355, 37972748). This variant is not present in population databases (gnomAD no frequency). This premature translational stop signal has been observed in individuals with mucolipidosis type IV (PMID: 10973263, 11317355). ClinVar contains an entry for this variant (Variation ID: 5133). Algorithms developed to predict the effect of sequence changes on RNA splicing suggest that this variant may disrupt the consensus splice site. For these reasons, this variant has been classified as Pathogenic.

Otogenetics
Classification: Pathogenic for Mucolipidosis type IV. Last evaluated: 2025-11-19. Review status: criteria provided, single submitter. Criteria: ACMG Guidelines, 2015. Collection method: clinical testing. Allele origin: germline.
Comment: PVS1: Stop gain variant introduces premature stop codon in gene with loss of function as mechanism of disease, predicted to undergo NMD; PM2: Variant not observed in gnomAD (<0.05% threshold); PM3: Variant reported in homozygous state in one affected individual and in trans with one pathogenic variant in one individual affected with mucolipidosis type IV(PMID: 11317355, 37972748)

Natera, Inc.
Classification: Pathogenic for Mucolipidosis type IV. Last evaluated: 2025-06-18. Review status: criteria provided, single submitter. Criteria: Natera Variant Classification Schema (03/2026). Collection method: clinical testing. Allele origin: germline.
Comment: The c.964C>T variant in MCOLN1 is a nonsense variant predicted to introduce a stop codon at amino acid 322. This variant is expected to result in nonsense mediated decay, truncation, or a dysfunctional protein product. This variant is rare in the general population with a frequency below the threshold expected for the associated phenotype(s). This variant has been observed in one or more individuals affected with the associated recessive disease, as either homozygous or compound heterozygous with a second variant (PMID: 10973263, 11317355). Given the available evidence, this variant is classified as Pathogenic.

GeneDx
Classification: Pathogenic. Last evaluated: 2024-08-25. Review status: criteria provided, single submitter. Criteria: GeneDx Variant Classification Process June 2021. Collection method: clinical testing. Allele origin: germline. Affected: yes.
Comment: Nonsense variant predicted to result in protein truncation or nonsense mediated decay in a gene for which loss of function is a known mechanism of disease; Not observed at significant frequency in large population cohorts (gnomAD); This variant is associated with the following publications: (PMID: 25525159, 12125810, 37972748, 21763169, 10973263, 31618753, 20852892, 35425852, 11317355)

Ambry Genetics
Classification: Pathogenic for Inborn genetic diseases. Last evaluated: 2022-06-02. Review status: criteria provided, single submitter. Criteria: Ambry Variant Classification Scheme 2023. Collection method: clinical testing. Allele origin: germline.
Comment: The c.964C>T (p.R322*) alteration, located in exon 8 (coding exon 8) of the MCOLN1 gene, consists of a C to T substitution at nucleotide position 964. This changes the amino acid from an arginine (R) to a stop codon at amino acid position 322. This alteration is expected to result in loss of function by premature protein truncation or nonsense-mediated mRNA decay. This variant was not reported in population-based cohorts in the Genome Aggregation Database (gnomAD). This alteration has been reported in the homozygous and compound heterozygous states in individuals with mucolipidosis IV (Bargal, 2000; Bargal, 2001; Ziats, 2020). Based on the available evidence, this alteration is classified as pathogenic.

Women's Health and Genetics/Laboratory Corporation of America, LabCorp
Classification: Pathogenic for Mucolipidosis type IV. Last evaluated: 2019-10-24. Review status: criteria provided, single submitter. Criteria: LabCorp Variant Classification Summary - May 2015. Collection method: clinical testing. Allele origin: germline.
Comment: Variant summary: MCOLN1 c.964C>T (p.Arg322X) results in a premature termination codon, predicted to cause a truncation of the encoded protein or absence of the protein due to nonsense mediated decay, which are commonly known mechanisms for disease. The variant was absent in 251318 control chromosomes (gnomAD). c.964C>T has been reported in the literature in homozygous and compound heterozygous individuals affected with Mucolipidosis Type 4 (Bargal_2000, Bargal_2001). These data indicate that the variant is likely associated with disease. To our knowledge, no experimental evidence demonstrating an impact on protein function has been reported. Two ClinVar submissions (evaluation after 2014) cites the variant as pathogenic. Based on the evidence outlined above, the variant was classified as pathogenic.

Baylor Genetics
Classification: Pathogenic for Mucolipidosis type IV. Review status: criteria provided, single submitter. Criteria: ACMG Guidelines, 2015. Collection method: clinical testing. Allele origin: germline.

Counsyl
Classification: Likely pathogenic for Ganglioside sialidase deficiency. Last evaluated: 2014-10-22. Review status: no assertion criteria provided. Collection method: literature only. Allele origin: unknown. Inheritance: Autosomal recessive inheritance. Not counted in ClinVar's aggregate classification.

OMIM
Classification: Pathogenic for MUCOLIPIDOSIS IV. Last evaluated: 2001-05-01. Review status: no assertion criteria provided. Collection method: literature only. Allele origin: germline. Not counted in ClinVar's aggregate classification.

Literature cited by the submitters: PubMed 11030752 (cited by Labcorp Genetics (formerly Invitae), Labcorp); PubMed 11317355 (cited by 7 submitters); PubMed 37972748 (cited by Labcorp Genetics (formerly Invitae), Labcorp and Otogenetics); PubMed 10973263 (cited by 6 submitters); PubMed 31618753 (cited by Ambry Genetics); PubMed 21763169 (cited by Counsyl); PubMed 9450896 (cited by OMIM).

NM_020533.3(MCOLN1):c.964C>T (p.Arg322Ter)

Gene: MCOLN1 (mucolipin TRP cation channel 1; plus strand). Cytogenetic location: 19p13.2.
Variant type: single nucleotide variant.
Coding change: c.964C>T on transcript NM_020533.3 (MANE Select); coding-DNA position 964, C replaced by T.
Protein change: p.Arg322Ter; replaces arginine 322 with a stop codon.
Molecular consequence: nonsense.
Genome position (GRCh38, 1-based): chr19:7,528,683, C>T. VCF-style: chr19-7528683-C-T. GRCh37 (hg19) VCF-style: chr19-7593569-C-T.
Other names: R321*; short protein forms R322*.
Identifiers: ClinVar variation 5133 (VCV000005133.23), dbSNP rs121908371, ClinGen allele CA340342.